The following is an entry in ClinVar:

NM_024809.5(TCTN2):c.1141_1143delinsCAACCCCTAGAATTGT (p.Val381fs)

Gene: TCTN2 (tectonic family member 2; plus strand). Cytogenetic location: 12q24.31.
Variant type: Indel.
Coding change: c.1141_1143delinsCAACCCCTAGAATTGT on transcript NM_024809.5 (MANE Select); coding-DNA positions 1141 to 1143, GTG replaced by CAACCCCTAGAATTGT.
Protein change: p.Val381fs; shifts the reading frame from valine 381.
Molecular consequence: frameshift variant. On other transcripts: intron variant (1).
Genome position (GRCh38, 1-based): chr12:123,694,883-123,694,885, GTG replaced by CAACCCCTAGAATTGT. VCF-style: chr12-123694883-GTG-CAACCCCTAGAATTGT. GRCh37 (hg19) VCF-style: chr12-124179430-GTG-CAACCCCTAGAATTGT.
Other names: c.1138_1140delinsCAACCCCTAGAATTGT, p.Val380fs (NM_001143850.3); c.1100-337_1100-335delinsCAACCCCTAGAATTGT (NM_001410989.1); short protein forms V380fs, V381fs.
Identifiers: ClinVar variation 3381965 (VCV003381965.2).
Genomic context (GRCh38, chr12:123,694,883, plus strand): 5'-CATATTCTTGTATTTGCAGAAACTCCTTTAAATAACGGATCAACCCCTAGAATTGTGAAT[GTG>CAACCCCTAGAATTGT]GAAGAACATTATATTTTCAAATGGAATAATAATACCATCAGTGAAATAAATGTTAAAATT-3'

ClinVar aggregate classification (germline): Pathogenic (1 of 4 stars; one submission).

Conditions:
Joubert syndrome 24 (JBTS24). Identifiers: Orphanet 475, MedGen C4084841, MONDO:0014724, OMIM 616654.

Submission:

Juno Genomics, Hangzhou Juno Genomics, Inc
Classification: Pathogenic for Joubert syndrome 24. Review status: criteria provided, single submitter. Criteria: ACMG Guidelines, 2015. Collection method: clinical testing. Allele origin: germline. Affected: yes.
Comment: Absent from controls (or at extremely low frequency if recessive) in Genome Aggregation Database, Exome Sequencing Project, 1000 Genomes Project, or Exome Aggregation Consortium.;Null variant in a gene where loss of function (LOF) is a known mechanism of disease.;Co-segregation with disease in multiple affected family members in a gene definitively known to cause the disease.